The following is an entry in ClinVar:

NM_001330288.2(SMARCC2):c.111G>C (p.Lys37Asn)

Genes: SMARCC2 (SWI/SNF related BAF chromatin remodeling complex subunit C2; minus strand), LOC130008058 (ATAC-STARR-seq lymphoblastoid silent region 4548; plus strand). Cytogenetic location: 12q13.2.
Variant type: single nucleotide variant.
Coding change: c.111G>C on transcript NM_001330288.2 (MANE Select); coding-DNA position 111, G replaced by C.
Protein change: p.Lys37Asn; replaces lysine 37 with asparagine.
Molecular consequence: missense variant.
Genome position (GRCh38, 1-based): chr12:56,189,351, C>G on the plus strand (G>C on the coding strand, the complement: SMARCC2 is on the minus strand). VCF-style: chr12-56189351-C-G. GRCh37 (hg19) VCF-style: chr12-56583135-C-G.
Other names: c.111G>C, p.Lys37Asn (NM_001130420.3, NM_003075.5, NM_139067.4); short protein forms K37N.
Identifiers: ClinVar variation 2643085 (VCV002643085.24), dbSNP rs2540983679, ClinGen allele CA385268171.

ClinVar aggregate classification (germline): Uncertain significance (1 of 4 stars; one submission).

Submission:

CeGaT Center for Human Genetics Tuebingen
Classification: Uncertain significance. Last evaluated: 2022-08-01. Review status: criteria provided, single submitter. Criteria: CeGaT Center For Human Genetics Tuebingen Variant Classification Criteria Version 2. Collection method: clinical testing. Allele origin: germline. Affected: yes. Observed: 1 variant allele.
Comment: SMARCC2: PM2, PP2